The following is an entry in ClinVar:

ClinVar aggregate classification (germline): Uncertain significance. Review status: criteria provided, multiple submitters, no conflicts (2 of 4 stars). 2 submissions from 2 submitters: Uncertain significance (2). Last evaluated 2025-06-01.

Conditions:
LAMA2-related muscular dystrophy (LAMA2-RD). Also called: Laminin alpha 2-related dystrophy. Identifiers: MedGen C5679788, MONDO:0100228.
Inborn genetic diseases. Identifiers: MedGen C0950123, MeSH D030342.

Allele frequency attached by ClinVar (database versions not stated): gnomAD 0.00001; TOPMed 0.00001.
gnomAD v4.1: 10 of 1,614,070 alleles (0.00062%); highest among the groups gnomAD compares: African/African-American, 0.0013%; no homozygotes.

Submissions (2):

Labcorp Genetics (formerly Invitae), Labcorp
Classification: Uncertain significance for LAMA2-related muscular dystrophy. Last evaluated: 2025-06-01. Review status: criteria provided, single submitter. Criteria: Invitae Variant Classification Sherloc (09022015). Collection method: clinical testing. Allele origin: germline.
Comment: This sequence change replaces cysteine, which is neutral and slightly polar, with serine, which is neutral and polar, at codon 1436 of the LAMA2 protein (p.Cys1436Ser). This variant is not present in population databases (gnomAD no frequency). This variant has not been reported in the literature in individuals affected with LAMA2-related conditions. ClinVar contains an entry for this variant (Variation ID: 2168921). Invitae Evidence Modeling of protein sequence and biophysical properties (such as structural, functional, and spatial information, amino acid conservation, physicochemical variation, residue mobility, and thermodynamic stability) has been performed for this missense variant. However, the output from this modeling did not meet the statistical confidence thresholds required to predict the impact of this variant on LAMA2 protein function. In summary, the available evidence is currently insufficient to determine the role of this variant in disease. Therefore, it has been classified as a Variant of Uncertain Significance.

Ambry Genetics
Classification: Uncertain significance for Inborn genetic diseases. Last evaluated: 2025-03-25. Review status: criteria provided, single submitter. Criteria: Ambry Variant Classification Scheme 2023. Collection method: clinical testing. Allele origin: germline.

NM_000426.4(LAMA2):c.4306T>A (p.Cys1436Ser)

Gene: LAMA2 (laminin subunit alpha 2; plus strand). Cytogenetic location: 6q22.33.
Variant type: single nucleotide variant.
Coding change: c.4306T>A on transcript NM_000426.4 (MANE Select); coding-DNA position 4306, T replaced by A.
Protein change: p.Cys1436Ser; replaces cysteine 1436 with serine.
Molecular consequence: missense variant.
Genome position (GRCh38, 1-based): chr6:129,328,407, T>A. VCF-style: chr6-129328407-T-A. GRCh37 (hg19) VCF-style: chr6-129649552-T-A.
Other names: c.4306T>A, p.Cys1436Ser (NM_001079823.2); short protein forms C1436S.
Identifiers: ClinVar variation 2168921 (VCV002168921.4), dbSNP rs755182290, ClinGen allele CA365614529.
Genomic context (GRCh38, chr6:129,328,407, plus strand): 5'-ACCTGTGTTCCATGTCAATGTAATGGACACAGCAGCCTGTGTGACCCTGAAACATCGATA[T>A]GCCAGGTAGTCCTCTGAGCCTTCCTTGAACAAGGTCCATGTGCTCATTCCTCTTTACACA-3'
Protein context (NP_000417.3, residues 1426-1446): SSLCDPETSI[Cys1436Ser]QNCQHHTAGD